The following is an entry in ClinVar:

ClinVar aggregate classification (germline): Pathogenic. Review status: criteria provided, multiple submitters, no conflicts (2 of 4 stars). 2 submissions from 2 submitters: Pathogenic (2). Last evaluated 2026-01-13.

Conditions:
Hereditary cancer-predisposing syndrome. Also called: Neoplastic Syndromes, Hereditary; Hereditary neoplastic syndrome; Tumor predisposition; Hereditary Cancer Syndrome. Identifiers: Orphanet 140162, MedGen C0027672, MeSH D009386, MONDO:0015356.

Submissions (2):

Ambry Genetics
Classification: Pathogenic for Hereditary cancer-predisposing syndrome. Last evaluated: 2026-01-13. Review status: criteria provided, single submitter. Criteria: Ambry Variant Classification Scheme 2023. Collection method: clinical testing. Allele origin: germline.
Comment: The c.5389dupG pathogenic mutation, located in coding exon 10 of the BRCA2 gene, results from a duplication of G at nucleotide position 5389, causing a translational frameshift with a predicted alternate stop codon (p.A1797Gfs*10). This variant is considered to be rare based on population cohorts in the Genome Aggregation Database (gnomAD). This alteration is expected to result in loss of function by premature protein truncation or nonsense-mediated mRNA decay. As such, this alteration is interpreted as a disease-causing mutation.

Color Diagnostics, LLC DBA Color Health
Classification: Pathogenic for Hereditary cancer-predisposing syndrome. Last evaluated: 2025-07-28. Review status: criteria provided, single submitter. Criteria: ACMG Guidelines, 2015. Collection method: clinical testing. Allele origin: germline.
Comment: This variant inserts 1 nucleotide in exon 11 of the BRCA2 gene, creating a frameshift and premature translation stop signal. This variant is expected to result in an absent or non-functional protein product. This variant has not been identified in the general population by the Genome Aggregation Database (gnomAD). Loss of BRCA2 function is a known mechanism of disease. Based on the available evidence, this variant is classified as Pathogenic.

NM_000059.4(BRCA2):c.5389dup (p.Ala1797fs)

Gene: BRCA2 (BRCA2 DNA repair associated; plus strand). Cytogenetic location: 13q13.1.
Variant type: Duplication.
Coding change: c.5389dup on transcript NM_000059.4 (MANE Select); coding-DNA position 5389, one base duplicated (G; older notation c.5389dupG).
Protein change: p.Ala1797fs; shifts the reading frame from alanine 1797.
Molecular consequence: frameshift variant. On other transcripts: non-coding transcript variant (1), intron variant (2).
Genome position (GRCh38, 1-based): chr13:32,339,744, G duplicated. VCF-style (leftmost placement, unchanged base first): chr13-32339743-T-TG. GRCh37 (hg19) VCF-style: chr13-32913880-T-TG.
Other names: c.5389dup, p.Ala1797fs (NM_001406719.1, NM_001406720.1, NM_001432077.1); c.1910-4814dup (NM_001406721.1); c.425-4814dup (NM_001406722.1); c.5389dupG (NM_000059.3); short protein forms A1797fs.
Identifiers: ClinVar variation 4759094 (VCV004759094.2).